The following is an entry in ClinVar:

ClinVar aggregate classification (germline): Uncertain significance. Review status: criteria provided, multiple submitters, no conflicts (2 of 4 stars). 2 submissions from 2 submitters: Uncertain significance (2). Last evaluated 2025-02-04.

Conditions:
Inborn genetic diseases. Identifiers: MedGen C0950123, MeSH D030342.

gnomAD v4.1: 8 of 1,551,638 alleles (0.00052%); highest among the groups gnomAD compares: Non-Finnish European, 0.00061%; no homozygotes.

Submissions (2):

Ambry Genetics
Classification: Uncertain significance for Inborn genetic diseases. Last evaluated: 2025-02-04. Review status: criteria provided, single submitter. Criteria: Ambry Variant Classification Scheme 2023. Collection method: clinical testing. Allele origin: germline.

Labcorp Genetics (formerly Invitae), Labcorp
Classification: Uncertain significance. Last evaluated: 2024-06-17. Review status: criteria provided, single submitter. Criteria: Invitae Variant Classification Sherloc (09022015). Collection method: clinical testing. Allele origin: germline.
Comment: This sequence change replaces aspartic acid, which is acidic and polar, with histidine, which is basic and polar, at codon 69 of the NR2F1 protein (p.Asp69His). This variant is not present in population databases (gnomAD no frequency). This variant has not been reported in the literature in individuals affected with NR2F1-related conditions. Advanced modeling of protein sequence and biophysical properties (such as structural, functional, and spatial information, amino acid conservation, physicochemical variation, residue mobility, and thermodynamic stability) performed at Invitae indicates that this missense variant is not expected to disrupt NR2F1 protein function with a negative predictive value of 95%. In summary, the available evidence is currently insufficient to determine the role of this variant in disease. Therefore, it has been classified as a Variant of Uncertain Significance.

NM_005654.6(NR2F1):c.205G>C (p.Asp69His)

Genes: NR2F1 (nuclear receptor subfamily 2 group F member 1; plus strand), NR2F1-AS1 (NR2F1 regulatory antisense RNA 1; minus strand). Cytogenetic location: 5q15.
Variant type: single nucleotide variant.
Coding change: c.205G>C on transcript NM_005654.6 (MANE Select); coding-DNA position 205, G replaced by C.
Protein change: p.Asp69His; replaces aspartic acid 69 with histidine.
Molecular consequence: missense variant.
Genome position (GRCh38, 1-based): chr5:93,585,228, G>C. VCF-style: chr5-93585228-G-C. GRCh37 (hg19) VCF-style: chr5-92920934-G-C.
Other names: c.205G>C (NM_005654.4); short protein forms D69H.
Identifiers: ClinVar variation 3635389 (VCV003635389.3).